The following is an entry in ClinVar:

NM_001348946.2(ABCB1):c.612T>C (p.Phe204=)

Gene: ABCB1 (ATP binding cassette subfamily B member 1; minus strand). Cytogenetic location: 7q21.12.
Variant type: single nucleotide variant.
Coding change: c.612T>C on transcript NM_001348946.2 (MANE Select); coding-DNA position 612, T replaced by C.
Protein change: p.Phe204=; no amino-acid change (phenylalanine 204 retained).
Molecular consequence: synonymous variant.
Genome position (GRCh38, 1-based): chr7:87,566,160, A>G on the plus strand (T>C on the coding strand, the complement: ABCB1 is on the minus strand). VCF-style: chr7-87566160-A-G. GRCh37 (hg19) VCF-style: chr7-87195476-A-G.
Other names: c.612T>C, p.Phe204= (NM_000927.5, NM_001348944.2); c.822T>C, p.Phe274= (NM_001348945.2).
Identifiers: ClinVar variation 3040400 (VCV003040400.2), dbSNP rs1817775401, ClinGen allele CA456372128.

ClinVar aggregate classification (germline): Likely benign (0 of 4 stars; one submission).

Conditions:
ABCB1-related disorder. Also called: ABCB1-related condition.

Submission:

PreventionGenetics, part of Exact Sciences
Classification: Likely benign for ABCB1-related condition. Last evaluated: 2019-09-26. Review status: no assertion criteria provided. Collection method: clinical testing. Allele origin: germline.
Comment: This variant is classified as likely benign based on ACMG/AMP sequence variant interpretation guidelines (Richards et al. 2015 PMID: 25741868, with internal and published modifications).